The following is an entry in ClinVar:

ClinVar aggregate classification (germline): Uncertain significance (1 of 4 stars; one submission).
ClinVar aggregate classification (oncogenicity): Likely oncogenic (1 of 4 stars; one submission).

Conditions:
Neoplasm. Also called: tumor; Neoplasms; Neoplasm (disease). Identifiers: MedGen C0027651, MeSH D009369, MONDO:0005070, HP:0002664.

gnomAD v4.1: 2 of 1,551,306 alleles (0.00013%); highest among the groups gnomAD compares: East Asian, 0.0024%; no homozygotes.

Submissions (2):

Center for Genomic Medicine, Rigshospitalet, Copenhagen University Hospital
Classification: Likely oncogenic for Neoplasm. Last evaluated: 2026-10-16. Review status: criteria provided, single submitter. Criteria: ClinGen/CGC/VICC Guidelines for Oncogenicity, 2022. Collection method: clinical testing. Allele origin: somatic. Affected: yes.

Labcorp Genetics (formerly Invitae), Labcorp
Classification: Uncertain significance. Last evaluated: 2025-07-24. Review status: criteria provided, single submitter. Criteria: Invitae Variant Classification Sherloc (09022015). Collection method: clinical testing. Allele origin: germline.
Comment: This sequence change replaces cysteine, which is neutral and slightly polar, with tryptophan, which is neutral and slightly polar, at codon 1193 of the TET2 protein (p.Cys1193Trp). This variant is present in population databases (no rsID available, gnomAD 0.01%). This variant has not been reported in the literature in individuals affected with TET2-related conditions. ClinVar contains an entry for this variant (Variation ID: 3257860). An algorithm developed to predict the effect of missense changes on protein structure and function (PolyPhen-2) suggests that this variant is likely to be disruptive. Experimental studies have shown that this missense change affects TET2 function (PMID: 24697267). In summary, the available evidence is currently insufficient to determine the role of this variant in disease. Therefore, it has been classified as a Variant of Uncertain Significance.

Literature cited by the submitters: PubMed 24697267 (cited by Center for Genomic Medicine, Rigshospitalet, Copenhagen University Hospital and Labcorp Genetics (formerly Invitae), Labcorp).

NM_001127208.3(TET2):c.3579T>G (p.Cys1193Trp)

Genes: TET2 (tet methylcytosine dioxygenase 2; plus strand), TET2-AS1 (TET2 antisense RNA 1; minus strand). Cytogenetic location: 4q24.
Variant type: single nucleotide variant.
Coding change: c.3579T>G on transcript NM_001127208.3 (MANE Select); coding-DNA position 3579, T replaced by G.
Protein change: p.Cys1193Trp; replaces cysteine 1193 with tryptophan.
Molecular consequence: missense variant.
Genome position (GRCh38, 1-based): chr4:105,242,912, T>G. VCF-style: chr4-105242912-T-G. GRCh37 (hg19) VCF-style: chr4-106164069-T-G.
Other names: short protein forms C1193W.
Identifiers: ClinVar variation 3257860 (VCV003257860.4).